The following is an entry in ClinVar:

NM_000326.5(RLBP1):c.470T>C (p.Val157Ala)

Gene: RLBP1 (retinaldehyde binding protein 1; minus strand). Cytogenetic location: 15q26.1.
Variant type: single nucleotide variant.
Coding change: c.470T>C on transcript NM_000326.5 (MANE Select); coding-DNA position 470, T replaced by C.
Protein change: p.Val157Ala; replaces valine 157 with alanine.
Molecular consequence: missense variant.
Genome position (GRCh38, 1-based): chr15:89,215,115, A>G on the plus strand (T>C on the coding strand, the complement: RLBP1 is on the minus strand). VCF-style: chr15-89215115-A-G. GRCh37 (hg19) VCF-style: chr15-89758346-A-G.
Other names: short protein forms V157A.
Identifiers: ClinVar variation 961533 (VCV000961533.7), dbSNP rs966669435, ClinGen allele CA274534315.
Genomic context (GRCh38, chr15:89,215,115, plus strand): 5'-CTAACCTCATCAAAGGTGATTTCTTGACTTTGCCAGTTCTCAATGTTGAAGAGCATGACC[A>G]CTCGGCCATACTTGTCCCGACTAGAGAGGACACCAGGGTAGCCAGCTTCAATGGTGCAGC-3'
Protein context (NP_000317.1, residues 147-167): VLSSRDKYGR[Val157Ala]VMLFNIENWQ

ClinVar aggregate classification (germline): Uncertain significance (1 of 4 stars; one submission).

Allele frequency attached by ClinVar (database versions not stated): gnomAD exomes below 0.00001; gnomAD 0.00001.
gnomAD v4.1: 4 of 1,613,918 alleles (0.00025%); highest among the groups gnomAD compares: Non-Finnish European, 0.00034%; no homozygotes.

Submission:

Labcorp Genetics (formerly Invitae), Labcorp
Classification: Uncertain significance. Last evaluated: 2021-08-28. Review status: criteria provided, single submitter. Criteria: Invitae Variant Classification Sherloc (09022015). Collection method: clinical testing. Allele origin: germline.
Comment: This sequence change replaces valine with alanine at codon 157 of the RLBP1 protein (p.Val157Ala). The valine residue is highly conserved and there is a small physicochemical difference between valine and alanine. This variant is not present in population databases (ExAC no frequency). This variant has not been reported in the literature in individuals affected with RLBP1-related conditions. Algorithms developed to predict the effect of missense changes on protein structure and function are either unavailable or do not agree on the potential impact of this missense change (SIFT: "Tolerated"; PolyPhen-2: "Probably Damaging"; Align-GVGD: "Class C0"). In summary, the available evidence is currently insufficient to determine the role of this variant in disease. Therefore, it has been classified as a Variant of Uncertain Significance.